The following is an entry in ClinVar:

NM_000287.4(PEX6):c.1238G>T (p.Gly413Val)

Gene: PEX6 (peroxisomal biogenesis factor 6; minus strand). Cytogenetic location: 6p21.1.
Variant type: single nucleotide variant.
Coding change: c.1238G>T on transcript NM_000287.4 (MANE Select); coding-DNA position 1238, G replaced by T.
Protein change: p.Gly413Val; replaces glycine 413 with valine.
Molecular consequence: missense variant. On other transcripts: non-coding transcript variant (1).
Genome position (GRCh38, 1-based): chr6:42,969,797, C>A on the plus strand (G>T on the coding strand, the complement: PEX6 is on the minus strand). VCF-style: chr6-42969797-C-A. GRCh37 (hg19) VCF-style: chr6-42937535-C-A.
Other names: c.974G>T, p.Gly325Val (NM_001316313.2); short protein forms G413V, G325V.
Identifiers: ClinVar variation 556748 (VCV000556748.5), dbSNP rs1554127531, ClinGen allele CA364155946.

ClinVar aggregate classification (germline): Likely pathogenic. Review status: criteria provided, multiple submitters, no conflicts (2 of 4 stars). 4 submissions from 4 submitters: Likely pathogenic (2). 2 of the submissions do not count toward it. Last evaluated 2024-04-27.

Conditions:
Heimler syndrome 2 (HMLR2). Also called: PEROXISOME BIOGENESIS DISORDER 4C. Identifiers: Orphanet 3220, MedGen C4225267, OMIM 616617, MONDO:0014709.
Peroxisome biogenesis disorder 4A (Zellweger) (PBD4A). Also called: Zellweger syndrome spectrum (PEX6-related). Identifiers: Orphanet 912, MedGen C3553936, MONDO:0013930, OMIM 614862. Disease mechanism: loss of function.
Peroxisome biogenesis disorder 4B (PBD4B). Also called: SPINOCEREBELLAR ATAXIA WITH BLINDNESS AND DEAFNESS 1. Identifiers: Orphanet 44, Orphanet 95433, MedGen C3553937, MONDO:0013931, OMIM 614863.
Peroxisome biogenesis disorder. Identifiers: Orphanet 79189, MedGen C1832200, MONDO:0019234. Disease mechanism: loss of function.

Allele frequency attached by ClinVar (database versions not stated): gnomAD exomes below 0.00001.

Submissions (4):

Fulgent Genetics
Classification: Likely pathogenic for Peroxisome biogenesis disorder 4A (Zellweger); Peroxisome biogenesis disorder 4B; Heimler syndrome 2. Last evaluated: 2024-04-27. Review status: criteria provided, single submitter. Criteria: ACMG Guidelines, 2015. Collection method: clinical testing. Allele origin: germline.

Women's Health and Genetics/Laboratory Corporation of America, LabCorp
Classification: Likely pathogenic for Peroxisome Biogenesis Disorder. Last evaluated: 2024-04-25. Review status: criteria provided, single submitter. Criteria: LabCorp Variant Classification Summary - May 2015. Collection method: clinical testing. Allele origin: germline.
Comment: Variant summary: PEX6 c.1238G>T (p.Gly413Val) results in a non-conservative amino acid change in the encoded protein sequence. Five of five in-silico tools predict a damaging effect of the variant on protein function. The variant allele was found at a frequency of 6.8e-07 in 1461712 control chromosomes (gnomAD v4.0.0). c.1238G>T has been reported in the literature in individuals affected with Peroxisome Biogenesis Disorder (Zaki_2016). These data indicate that the variant is likely to be associated with disease. To our knowledge, no experimental evidence demonstrating an impact on protein function has been reported. The following publication have been ascertained in the context of this evaluation (PMID: 26593283). ClinVar contains an entry for this variant (Variation ID: 556748). Based on the evidence outlined above, the variant was classified as likely pathogenic.

OMIM
Classification: Pathogenic for HEIMLER SYNDROME 2. Last evaluated: 2020-11-25. Review status: no assertion criteria provided. Collection method: literature only. Allele origin: germline. Not counted in ClinVar's aggregate classification.

Counsyl
Classification: Uncertain significance for Peroxisome biogenesis disorder 4A (Zellweger); Peroxisome biogenesis disorder 4B. Last evaluated: 2018-02-15. Review status: no assertion criteria provided. Collection method: clinical testing. Allele origin: unknown. Not counted in ClinVar's aggregate classification.

Literature cited by the submitters: PubMed 26593283 (cited by 3 submitters).